The following is an entry in ClinVar:

NM_020693.4(DSCAML1):c.3984A>G (p.Glu1328=)

Gene: DSCAML1 (DS cell adhesion molecule like 1; minus strand). Cytogenetic location: 11q23.3.
Variant type: single nucleotide variant.
Coding change: c.3984A>G on transcript NM_020693.4 (MANE Select); coding-DNA position 3984, A replaced by G.
Protein change: p.Glu1328=; no amino-acid change (glutamic acid 1328 retained).
Molecular consequence: synonymous variant.
Genome position (GRCh38, 1-based): chr11:117,439,426, T>C on the plus strand (A>G on the coding strand, the complement: DSCAML1 is on the minus strand). VCF-style: chr11-117439426-T-C. GRCh37 (hg19) VCF-style: chr11-117310142-T-C.
Identifiers: ClinVar variation 2847877 (VCV002847877.3), dbSNP rs746511759, ClinGen allele CA6296513.

ClinVar aggregate classification (germline): Uncertain significance (1 of 4 stars; one submission).

Allele frequency attached by ClinVar (database versions not stated): gnomAD exomes below 0.00001; TOPMed below 0.00001; ExAC 0.00001; gnomAD 0.00001.
gnomAD v4.1: 2 of 1,612,088 alleles (0.00012%); highest among the groups gnomAD compares: Non-Finnish European, 0.00017%; no homozygotes.

Submission:

Labcorp Genetics (formerly Invitae), Labcorp
Classification: Uncertain significance. Last evaluated: 2023-03-20. Review status: criteria provided, single submitter. Criteria: Invitae Variant Classification Sherloc (09022015). Collection method: clinical testing. Allele origin: germline.
Comment: In summary, the available evidence is currently insufficient to determine the role of this variant in disease. Therefore, it has been classified as a Variant of Uncertain Significance. Algorithms developed to predict the effect of sequence changes on RNA splicing suggest that this variant may disrupt the consensus splice site. This variant has not been reported in the literature in individuals affected with DSCAML1-related conditions. This variant is present in population databases (rs746511759, gnomAD 0.0009%). This sequence change affects codon 1388 of the DSCAML1 mRNA. It is a 'silent' change, meaning that it does not change the encoded amino acid sequence of the DSCAML1 protein.